The following is an entry in ClinVar:

NM_000443.4(ABCB4):c.2564A>T (p.Gln855Leu)

Gene: ABCB4 (ATP binding cassette subfamily B member 4; minus strand). Cytogenetic location: 7q21.12.
Variant type: single nucleotide variant.
Coding change: c.2564A>T on transcript NM_000443.4 (MANE Select); coding-DNA position 2564, A replaced by T.
Protein change: p.Gln855Leu; replaces glutamine 855 with leucine.
Molecular consequence: missense variant.
Genome position (GRCh38, 1-based): chr7:87,417,430, T>A on the plus strand (A>T on the coding strand, the complement: ABCB4 is on the minus strand). VCF-style: chr7-87417430-T-A. GRCh37 (hg19) VCF-style: chr7-87046746-T-A.
Other names: c.2564A>T, p.Gln855Leu (NM_018849.3, NM_018850.3); short protein forms Q855L.
Identifiers: ClinVar variation 4846591 (VCV004846591.1).

ClinVar aggregate classification (germline): Likely pathogenic (1 of 4 stars; one submission).

Conditions:
Familial intrahepatic cholestasis. Identifiers: Orphanet 284385, MedGen CN296401, MONDO:0017290.
Low phospholipid associated cholelithiasis (GBD1). Also called: Gallbladder disease 1; Gallstone cholecystitis. Identifiers: Orphanet 69663, MedGen C2609268, MONDO:0010939, OMIM 600803.

Submission:

Genomenon, Inc
Classification: Likely pathogenic for Familial intrahepatic cholestasis; Low phospholipid associated cholelithiasis. Last evaluated: 2026-04-14. Review status: criteria provided, single submitter. Criteria: Genomenon Sequence Variant Interpretation Standards - Updated. Collection method: curation. Allele origin: germline. Affected: yes.
Comment: ABCB4 p.Gln855Leu (c.2564A>T) is a missense variant that changes the amino acid at residue 855 from Glutamine to Leucine. This variant has been observed in at least one proband with an ABCB4-related disorder (PMID:32650689;26474921). The variant was found to segregate with disease in at least one affected family (PMID:32650689). At least one functional study has demonstrated a substantial alteration in protein function relative to the wild-type (PMID:26474921). It is absent or not present at a significant frequency in gnomAD. In silico models predict that this variant is possibly or probably damaging. In conclusion, we classify ABCB4 p.Gln855Leu (c.2564A>T) as a likely pathogenic variant.

Literature cited by the submitters: PubMed 32650689; PubMed 26474921.